The following is an entry in ClinVar:

GRCh38/hg38 17p11.2(chr17:16195853-16203711)x3

Gene: NCOR1 (nuclear receptor corepressor 1; minus strand). Cytogenetic location: 17p11.2.
Variant type: copy number gain.
Change: copy number 3 (three copies instead of two) of chr17:16,195,853-16,203,711 (7.9 kb, GRCh38 coordinates, 1-based), cytogenetic band 17p11.2.
Identifiers: ClinVar variation 152567 (VCV000152567.1).

ClinVar aggregate classification (germline): conflicting data from submitters (0 of 4 stars; one submission).

Submission:

GeneDx
Classification: conflicting data from submitters. Last evaluated: 2011-04-30. Review status: no assertion criteria provided. Collection method: clinical testing. Allele origin: not provided. Affected: yes. Observed: 2 variant alleles.
Comment: Uncertain significance(1), Likely benign (1)